The following is an entry in ClinVar:

NM_025137.4(SPG11):c.227dup (p.Arg77fs)

Gene: SPG11 (SPG11 vesicle trafficking associated, spatacsin; minus strand). Cytogenetic location: 15q21.1.
Variant type: Duplication.
Coding change: c.227dup on transcript NM_025137.4 (MANE Select); coding-DNA position 227, one base duplicated (G; older notation c.227dupG).
Protein change: p.Arg77fs; shifts the reading frame from arginine 77.
Molecular consequence: frameshift variant.
Genome position (GRCh38, 1-based): chr15:44,663,421, C duplicated on the plus strand (G on the coding strand, the reverse complement: SPG11 is on the minus strand); the first of 5 consecutive C bases (chr15:44,663,421-44,663,425); duplicating any one gives the same sequence. VCF-style (leftmost placement, unchanged base first): chr15-44663420-A-AC. GRCh37 (hg19) VCF-style: chr15-44955618-A-AC.
Other names: c.227dup, p.Arg77fs (NM_001160227.2, NM_001411132.1); short protein forms R77fs.
Identifiers: ClinVar variation 3389443 (VCV003389443.14).

ClinVar aggregate classification (germline): Pathogenic (1 of 4 stars; one submission).

Submission:

CeGaT Center for Human Genetics Tuebingen
Classification: Pathogenic. Last evaluated: 2024-09-01. Review status: criteria provided, single submitter. Criteria: CeGaT Center For Human Genetics Tuebingen Variant Classification Criteria Version 2. Collection method: clinical testing. Allele origin: germline. Affected: yes. Observed: 1 variant allele.
Comment: SPG11: PVS1, PM2